The following is an entry in ClinVar:

NM_000179.3(MSH6):c.597C>G (p.Pro199=)

Gene: MSH6 (mutS homolog 6; plus strand). Cytogenetic location: 2p16.3.
Variant type: single nucleotide variant.
Coding change: c.597C>G on transcript NM_000179.3 (MANE Select); coding-DNA position 597, C replaced by G.
Protein change: p.Pro199=; no amino-acid change (proline 199 retained).
Molecular consequence: synonymous variant. On other transcripts: 5 prime UTR variant (1), intron variant (2).
Genome position (GRCh38, 1-based): chr2:47,796,033, C>G. VCF-style: chr2-47796033-C-G. GRCh37 (hg19) VCF-style: chr2-48023172-C-G.
Other names: c.-306C>G (NM_001281494.2); c.-279-2578C>G (NM_001281493.2); c.238-2578C>G (NM_001281492.2).
Identifiers: ClinVar variation 479910 (VCV000479910.16), dbSNP rs1553411498, ClinGen allele CA425993150.

ClinVar aggregate classification (germline): Benign/Likely benign. Review status: criteria provided, multiple submitters, no conflicts (2 of 4 stars). 5 submissions from 5 submitters: Benign (2); Likely benign (3). Last evaluated 2025-02-01.

Conditions:
Hereditary cancer-predisposing syndrome. Also called: Hereditary Cancer Syndrome; Neoplastic Syndromes, Hereditary; Tumor predisposition; Hereditary neoplastic syndrome. Identifiers: Orphanet 140162, MedGen C0027672, MeSH D009386, MONDO:0015356.
Hereditary nonpolyposis colorectal neoplasms. Identifiers: MedGen C0009405, MeSH D003123.
Lynch syndrome 5 (LYNCH5). Also called: Colorectal cancer, hereditary nonpolyposis, type 5; Hereditary non-polyposis colorectal cancer, type 5. Identifiers: Orphanet 144, MedGen C1833477, MONDO:0013710, OMIM 614350. Disease mechanism: loss of function.

gnomAD v4.1: 1 of 1,613,838 alleles (0.000062%); highest among the groups gnomAD compares: South Asian, 0.0011%; no homozygotes.

Submissions (5):

KCCC/NGS Laboratory, Kuwait Cancer Control Center
Classification: Benign for Lynch syndrome 5. Last evaluated: 2025-02-01. Review status: criteria provided, single submitter. Criteria: ACMG Guidelines, 2015. Collection method: clinical testing. Allele origin: germline. Affected: no.

Myriad Genetics, Inc.
Classification: Benign for Lynch syndrome 5. Last evaluated: 2024-12-19. Review status: criteria provided, single submitter. Criteria: Myriad Autosomal Dominant, Autosomal Recessive and X-Linked Classification Criteria (2023). Collection method: clinical testing. Allele origin: unknown.
Comment: This variant is considered benign. This variant is a silent/synonymous amino acid change and it is not expected to impact splicing.

Labcorp Genetics (formerly Invitae), Labcorp
Classification: Likely benign for Hereditary nonpolyposis colorectal neoplasms. Last evaluated: 2024-10-05. Review status: criteria provided, single submitter. Criteria: Invitae Variant Classification Sherloc (09022015). Collection method: clinical testing. Allele origin: germline.

Women's Health and Genetics/Laboratory Corporation of America, LabCorp
Classification: Likely benign. Last evaluated: 2017-04-27. Review status: criteria provided, single submitter. Criteria: LabCorp Variant Classification Summary - May 2015. Collection method: clinical testing. Allele origin: germline.
Comment: Variant summary: The c.597C>G (p.Pro199=) in MSH6 gene is a synonymous change that involves a non-conserved nucleotide. 4/5 programs in Alamut predict that this variant does not affect a normal splicing, however no functional studies supporting these predictions were published at the time of evaluation. The variant is absent from control population datasets of ExAC and gnomAG (0/121166 and 0/246168 chrs tested, respectively). The variant has not, to our knowledge, been reported in affected individuals via published reports or cited by a reputable database/clinical laboratory. Taking together, the variant was classified as Likely Benign.

Ambry Genetics
Classification: Likely benign for Hereditary cancer-predisposing syndrome. Last evaluated: 2016-06-14. Review status: criteria provided, single submitter. Criteria: Ambry Variant Classification Scheme 2023. Collection method: clinical testing. Allele origin: germline.